The following is an entry in ClinVar:

NM_015474.4(SAMHD1):c.1411-2A>G

Gene: SAMHD1 (SAM and HD domain containing deoxynucleoside triphosphate triphosphohydrolase 1; minus strand). Cytogenetic location: 20q11.23.
Variant type: single nucleotide variant.
Coding change: c.1411-2A>G on transcript NM_015474.4 (MANE Select); the canonical splice acceptor site of the intron before coding-DNA position 1411, A replaced by G.
Molecular consequence: splice acceptor variant.
Genome position (GRCh38, 1-based): chr20:36,904,251, T>C on the plus strand (A>G on the coding strand, the complement: SAMHD1 is on the minus strand). VCF-style: chr20-36904251-T-C. GRCh37 (hg19) VCF-style: chr20-35532654-T-C.
Other names: (Spliceacceptor); (Splice acceptor); c.1411-2A>G (NM_001363729.2, NM_001363733.2).
Identifiers: ClinVar variation 126407 (VCV000126407.16), dbSNP rs515726141, ClinGen allele CA345515.

ClinVar aggregate classification (germline): Pathogenic. Review status: criteria provided, multiple submitters, no conflicts (2 of 4 stars). 7 submissions from 7 submitters: Pathogenic (5). 2 of the submissions do not count toward it. Last evaluated 2026-01-12.

Conditions:
Aicardi-Goutieres syndrome 5. Identifiers: Orphanet 51, MedGen C2749659, MONDO:0013059, OMIM 612952.
Chilblain lupus 2 (CHBL2). Identifiers: MedGen C3280721, MONDO:0013739, OMIM 614415.
SAMHD1-related disorder. Also called: SAMHD1-related condition.

Allele frequency attached by ClinVar (database versions not stated): gnomAD exomes below 0.00001; ExAC 0.00001; gnomAD 0.00001; TOPMed 0.00002.
gnomAD v4.1: 3 of 1,601,060 alleles (0.00019%); highest among the groups gnomAD compares: Non-Finnish European, 0.00026%; no homozygotes.

Submissions (7):

Labcorp Genetics (formerly Invitae), Labcorp
Classification: Pathogenic for Aicardi-Goutieres syndrome 5. Last evaluated: 2026-01-12. Review status: criteria provided, single submitter. Criteria: Invitae Variant Classification Sherloc (09022015). Collection method: clinical testing. Allele origin: germline.
Comment: This sequence change affects an acceptor splice site in intron 12 of the SAMHD1 gene. RNA analysis indicates that disruption of this splice site induces altered splicing and likely results in a shortened protein product. This variant is present in population databases (rs515726141, gnomAD 0.0009%). Disruption of this splice site has been observed in individual(s) with cerebral vasculopathy and early onset of stroke (PMID: 21402907). ClinVar contains an entry for this variant (Variation ID: 126407). Studies have shown that disruption of this splice site results in skipping of exon 13, but is expected to preserve the integrity of the reading-frame (PMID: 21402907). For these reasons, this variant has been classified as Pathogenic.

Revvity Omics, Revvity
Classification: Pathogenic. Last evaluated: 2025-07-09. Review status: criteria provided, single submitter. Criteria: ACMG Guidelines, 2015. Collection method: clinical testing. Allele origin: germline.

Blueprint Genetics
Classification: Pathogenic for SAMHD1-related disorders. Last evaluated: 2024-11-14. Review status: criteria provided, single submitter. Criteria: ACMG Guidelines, 2015. Collection method: clinical testing. Allele origin: germline. Affected: yes. Observed: 3 variant alleles.

Fulgent Genetics
Classification: Pathogenic for Aicardi-Goutieres syndrome 5; Chilblain lupus 2. Last evaluated: 2024-04-09. Review status: criteria provided, single submitter. Criteria: ACMG Guidelines, 2015. Collection method: clinical testing. Allele origin: germline.

GeneDx
Classification: Pathogenic. Last evaluated: 2023-11-27. Review status: criteria provided, single submitter. Criteria: GeneDx Variant Classification Process June 2021. Collection method: clinical testing. Allele origin: germline. Affected: yes.
Comment: Canonical splice site variant predicted to result in an in-frame loss of the adjacent exon in a gene for which loss of function is a known mechanism of disease; Published functional studies demonstrate skipping of exon 13 and degradation of the SAMHD1 protein in cell lysates from an affected individual (PMID: 21402907); Not observed at significant frequency in large population cohorts (gnomAD); This variant is associated with the following publications: (PMID: 21633013, 31028937, 19525956, 28289923, 22461318, 34852373, 20301648, 21402907, 27943079)

PreventionGenetics, part of Exact Sciences
Classification: Pathogenic for SAMHD1-related condition. Last evaluated: 2024-04-23. Review status: no assertion criteria provided. Collection method: clinical testing. Allele origin: germline. Not counted in ClinVar's aggregate classification.
Comment: The SAMHD1 c.1411-2A>G variant is predicted to disrupt the AG splice acceptor site and interfere with normal splicing. This variant has been reported in the homozygous state to be causative for autosomal recessive Aicardi-Goutiѐres syndrome (Xin et al. 2011. PubMed ID: 21402907, Crow. 2016. PubMed ID: 20301648). This variant has not been reported in a large population database, indicating this variant is rare. Variants that disrupt the consensus splice acceptor site in SAMHD1 are expected to be pathogenic. This variant is interpreted as pathogenic.

GeneReviews
No classification provided. Condition: Aicardi-Goutieres syndrome 5. Review status: no classification provided. Collection method: literature only. Allele origin: germline. Affected: yes. Not counted in ClinVar's aggregate classification.

Literature cited by the submitters: PubMed 21402907 (cited by Labcorp Genetics (formerly Invitae), Labcorp); NCBI Bookshelf NBK1475 (cited by GeneReviews).